The following is an entry in ClinVar:

NM_000138.5(FBN1):c.3626A>T (p.Glu1209Val)

Gene: FBN1 (fibrillin 1; minus strand). Cytogenetic location: 15q21.1.
Variant type: single nucleotide variant.
Coding change: c.3626A>T on transcript NM_000138.5 (MANE Select); coding-DNA position 3626, A replaced by T.
Protein change: p.Glu1209Val; replaces glutamic acid 1209 with valine.
Molecular consequence: missense variant.
Genome position (GRCh38, 1-based): chr15:48,485,460, T>A on the plus strand (A>T on the coding strand, the complement: FBN1 is on the minus strand). VCF-style: chr15-48485460-T-A. GRCh37 (hg19) VCF-style: chr15-48777657-T-A.
Other names: short protein forms E1209V.
Identifiers: ClinVar variation 639700 (VCV000639700.8), dbSNP rs1597561500, ClinGen allele CA392324587.

ClinVar aggregate classification (germline): Uncertain significance (1 of 4 stars; one submission).

Conditions:
Familial thoracic aortic aneurysm and aortic dissection (TAAD). Also called: Thoracic aortic aneurysms and dissections. Identifiers: Orphanet 91387, MedGen C4707243, MONDO:0019625.
Marfan syndrome (MFS). Also called: FBN1-Related Marfan Syndrome; Marfan syndrome type 1; Marfan's syndrome; Marfan syndrome, classic; MARFAN SYNDROME, TYPE I. Identifiers: Orphanet 284963, Orphanet 558, MedGen C0024796, MONDO:0007947, OMIM 154700.

Submission:

Labcorp Genetics (formerly Invitae), Labcorp
Classification: Uncertain significance for Marfan syndrome; Familial thoracic aortic aneurysm and aortic dissection. Last evaluated: 2018-10-04. Review status: criteria provided, single submitter. Criteria: Invitae Variant Classification Sherloc (09022015). Collection method: clinical testing. Allele origin: germline.
Comment: Algorithms developed to predict the effect of missense changes on protein structure and function are either unavailable or do not agree on the potential impact of this missense change (SIFT: "Deleterious"; PolyPhen-2: "Benign"; Align-GVGD: "Class C15"). This sequence change replaces glutamic acid with valine at codon 1209 of the FBN1 protein (p.Glu1209Val). The glutamic acid residue is highly conserved and there is a moderate physicochemical difference between glutamic acid and valine. This variant is not present in population databases (ExAC no frequency). This variant has not been reported in the literature in individuals with FBN1-related disease. In summary, the available evidence is currently insufficient to determine the role of this variant in disease. Therefore, it has been classified as a Variant of Uncertain Significance.